The following is an entry in ClinVar:

ClinVar aggregate classification (germline): Uncertain significance (1 of 4 stars; one submission).

Conditions:
Osteogenesis imperfecta type 7 (OI7). Also called: OSTEOGENESIS IMPERFECTA, TYPE IIB; Osteogenesis imperfecta type 2B; OI type 2B; Osteogenesis imperfecta, perinatal lethal autosomal recessive; OI type IIB; OI type 7. Identifiers: MedGen C1853162, MONDO:0012536, OMIM 610682.

gnomAD v4.1: 1 of 152,148 alleles (0.00066%); highest among the groups gnomAD compares: South Asian, 0.021%; no homozygotes.

Submission:

Laboratorio de Genetica e Diagnostico Molecular, Hospital Israelita Albert Einstein
Classification: Uncertain significance for Osteogenesis imperfecta type 7. Last evaluated: 2023-06-07. Review status: criteria provided, single submitter. Criteria: ACMG Guidelines, 2015. Collection method: clinical testing. Allele origin: germline. Affected: yes.
Comment: ACMG classification criteria: PM2 supporting, BP4 supporting

NM_006371.5(CRTAP):c.793+1897C>T

Gene: CRTAP (cartilage associated protein; plus strand). Cytogenetic location: 3p22.3.
Variant type: single nucleotide variant.
Coding change: c.793+1897C>T on transcript NM_006371.5 (MANE Select); 1897 bases into the intron after coding-DNA position 793, C replaced by T.
Molecular consequence: intron variant.
Genome position (GRCh38, 1-based): chr3:33,126,476, C>T. VCF-style: chr3-33126476-C-T. GRCh37 (hg19) VCF-style: chr3-33167968-C-T.
Other names: c.793+1897C>T (NM_001393363.1, NM_001393364.1); c.643+1897C>T (NM_001393365.1).
Identifiers: ClinVar variation 3901926 (VCV003901926.1).